The following is an entry in ClinVar:

ClinVar aggregate classification (germline): Uncertain significance. Review status: criteria provided, multiple submitters, no conflicts (2 of 4 stars). 2 submissions from 2 submitters: Uncertain significance (2). Last evaluated 2024-05-13.

Conditions:
Primary ciliary dyskinesia 28. Also called: CILIARY DYSKINESIA, PRIMARY, 28, WITH OR WITHOUT SITUS INVERSUS. Identifiers: Orphanet 244, MedGen C3809706, MONDO:0014216, OMIM 615505.
Primary ciliary dyskinesia. Also called: Ciliary dyskinesia. Identifiers: Orphanet 244, MedGen C0008780, MONDO:0016575, HP:0012265.

Allele frequency attached by ClinVar (database versions not stated): TOPMed below 0.00001; ExAC 0.00001; gnomAD 0.00001; gnomAD exomes 0.00001 and 0.00003; 1000 Genomes Project 30x 0.00016; 1000 Genomes Project 0.00020.
gnomAD v4.1: 9 of 1,607,392 alleles (0.00056%); highest among the groups gnomAD compares: East Asian, 0.02%; no homozygotes.

Submissions (2):

Ambry Genetics
Classification: Uncertain significance for Primary ciliary dyskinesia. Last evaluated: 2024-05-13. Review status: criteria provided, single submitter. Criteria: Ambry Variant Classification Scheme 2023. Collection method: clinical testing. Allele origin: germline.

Labcorp Genetics (formerly Invitae), Labcorp
Classification: Uncertain significance for Primary ciliary dyskinesia 28. Last evaluated: 2017-03-19. Review status: criteria provided, single submitter. Criteria: Invitae Variant Classification Sherloc (09022015). Collection method: clinical testing. Allele origin: germline.
Comment: In summary, this variant is a rare missense change with uncertain impact on protein function. There is no indication that it causes disease, but the available evidence is currently insufficient to prove that conclusively. Therefore, it has been classified as a Variant of Uncertain Significance. Algorithms developed to predict the effect of missense changes on protein structure and function do not agree on the potential impact of this missense change (SIFT: "Deleterious"; PolyPhen-2: "Probably Damaging"; Align-GVGD: "Class C0"). This variant is present in population databases (rs529265811, ExAC 0.01%) but has not been reported in the literature in individuals with a SPAG1-related disease. This sequence change replaces arginine with serine at codon 47 of the SPAG1 protein (p.Arg47Ser). The arginine residue is moderately conserved and there is a moderate physicochemical difference between arginine and serine.

NM_003114.5(SPAG1):c.141A>T (p.Arg47Ser)

Gene: SPAG1 (sperm associated antigen 1; plus strand). Cytogenetic location: 8q22.2.
Variant type: single nucleotide variant.
Coding change: c.141A>T on transcript NM_003114.5 (MANE Select); coding-DNA position 141, A replaced by T.
Protein change: p.Arg47Ser; replaces arginine 47 with serine.
Molecular consequence: missense variant.
Genome position (GRCh38, 1-based): chr8:100,165,814, A>T. VCF-style: chr8-100165814-A-T. GRCh37 (hg19) VCF-style: chr8-101178042-A-T.
Other names: c.141A>T, p.Arg47Ser (NM_001374321.1, NM_172218.3); short protein forms R47S.
Identifiers: ClinVar variation 474653 (VCV000474653.10), dbSNP rs529265811, ClinGen allele CA4827190.